The following is an entry in ClinVar:

NM_006031.6(PCNT):c.9022A>G (p.Asn3008Asp)

Gene: PCNT (pericentrin; plus strand). Cytogenetic location: 21q22.3.
Variant type: single nucleotide variant.
Coding change: c.9022A>G on transcript NM_006031.6 (MANE Select); coding-DNA position 9022, A replaced by G.
Protein change: p.Asn3008Asp; replaces asparagine 3008 with aspartic acid.
Molecular consequence: missense variant.
Genome position (GRCh38, 1-based): chr21:46,437,004, A>G. VCF-style: chr21-46437004-A-G. GRCh37 (hg19) VCF-style: chr21-47856917-A-G.
Other names: c.8431A>G, p.Asn2811Asp (NM_001315529.2); short protein forms N2811D, N3008D.
Identifiers: ClinVar variation 3886985 (VCV003886985.2).

ClinVar aggregate classification (germline): Uncertain significance. Review status: criteria provided, multiple submitters, no conflicts (2 of 4 stars). 2 submissions from 2 submitters: Uncertain significance (2). Last evaluated 2025-08-06.

Conditions:
Inborn genetic diseases. Identifiers: MedGen C0950123, MeSH D030342.
PCNT-related disorder. Also called: PCNT-related condition.

Submissions (2):

PreventionGenetics, part of Exact Sciences
Classification: Uncertain significance for PCNT-related condition. Last evaluated: 2025-08-06. Review status: criteria provided, single submitter. Criteria: ACMG Guidelines, 2015. Collection method: clinical testing. Allele origin: germline.
Comment: The PCNT c.9022A>G variant is predicted to result in the amino acid substitution p.Asn3008Asp. To our knowledge, this variant has not been reported in the literature or in a large population database (gnomAD), indicating this variant is rare. At this time, the clinical significance of this variant is uncertain due to the absence of conclusive functional and genetic evidence.

Ambry Genetics
Classification: Uncertain significance for Inborn genetic diseases. Last evaluated: 2025-01-29. Review status: criteria provided, single submitter. Criteria: Ambry Variant Classification Scheme 2023. Collection method: clinical testing. Allele origin: germline.